The following is an entry in ClinVar:

ClinVar aggregate classification (germline): Pathogenic. Review status: criteria provided, multiple submitters, no conflicts (2 of 4 stars). 2 submissions from 2 submitters: Pathogenic (2). Last evaluated 2024-02-01.

Conditions:
Inborn genetic diseases. Identifiers: MedGen C0950123, MeSH D030342.

Submissions (2):

Labcorp Genetics (formerly Invitae), Labcorp
Classification: Pathogenic. Last evaluated: 2024-02-01. Review status: criteria provided, single submitter. Criteria: Invitae Variant Classification Sherloc (09022015). Collection method: clinical testing. Allele origin: germline.
Comment: This sequence change creates a premature translational stop signal (p.Pro15Argfs*45) in the RETREG1 gene. It is expected to result in an absent or disrupted protein product. Loss-of-function variants in RETREG1 are known to be pathogenic (PMID: 19838196). This variant is not present in population databases (gnomAD no frequency). This variant has not been reported in the literature in individuals affected with RETREG1-related conditions. ClinVar contains an entry for this variant (Variation ID: 1455513). For these reasons, this variant has been classified as Pathogenic.

Ambry Genetics
Classification: Pathogenic for Inborn genetic diseases. Last evaluated: 2020-02-14. Review status: criteria provided, single submitter. Criteria: Ambry Variant Classification Scheme 2023. Collection method: clinical testing. Allele origin: germline.
Comment: The c.44_71del28 pathogenic mutation, located in coding exon 1 of the FAM134B gene, results from a deletion of 28 nucleotides at nucleotide positions 44 to 71, causing a translational frameshift with a predicted alternate stop codon (p.P15Rfs*45). This alteration is expected to result in loss of function by premature protein truncation or nonsense-mediated mRNA decay. As such, this alteration is interpreted as a disease-causing mutation.

Literature cited by the submitters: PubMed 19838196 (cited by Labcorp Genetics (formerly Invitae), Labcorp).

NM_001034850.3(RETREG1):c.44_71del (p.Pro15fs)

Genes: RETREG1 (reticulophagy regulator 1; minus strand), RETREG1-AS1 (RETREG1 antisense RNA 1; plus strand), LOC129993734 (ATAC-STARR-seq lymphoblastoid silent region 15947; plus strand). Cytogenetic location: 5p15.1.
Variant type: Deletion.
Coding change: c.44_71del on transcript NM_001034850.3 (MANE Select); coding-DNA positions 44 to 71, 28 bases deleted (CGGCTCCTGCCGCCGAGGAGCAGGCGCC).
Protein change: p.Pro15fs; shifts the reading frame from proline 15.
Molecular consequence: frameshift variant.
Genome position (GRCh38, 1-based): chr5:16,616,901-16,616,928, GGCGCCTGCTCCTCGGCGGCAGGAGCCG deleted on the plus strand (CGGCTCCTGCCGCCGAGGAGCAGGCGCC on the coding strand, the reverse complement: RETREG1 is on the minus strand); deleting any 28 consecutive bases within chr5:16,616,901-16,616,931 gives the same sequence; the c. name uses the placement nearest the transcript's 3' end. VCF-style (leftmost placement, unchanged base first): chr5-16616900-CGGCGCCTGCTCCTCGGCGGCAGGAGCCG-C. GRCh37 (hg19) VCF-style: chr5-16617009-CGGCGCCTGCTCCTCGGCGGCAGGAGCCG-C.
Other names: short protein forms P15fs.
Identifiers: ClinVar variation 1455513 (VCV001455513.8), dbSNP rs2126388556, ClinGen allele CA2573138555.